The following is an entry in ClinVar:

NM_003748.4(ALDH4A1):c.557T>C (p.Ile186Thr)

Gene: ALDH4A1 (aldehyde dehydrogenase 4 family member A1; minus strand). Cytogenetic location: 1p36.13.
Variant type: single nucleotide variant.
Coding change: c.557T>C on transcript NM_003748.4 (MANE Select); coding-DNA position 557, T replaced by C.
Protein change: p.Ile186Thr; replaces isoleucine 186 with threonine.
Molecular consequence: missense variant.
Genome position (GRCh38, 1-based): chr1:18,883,325, A>G on the plus strand (T>C on the coding strand, the complement: ALDH4A1 is on the minus strand). VCF-style: chr1-18883325-A-G. GRCh37 (hg19) VCF-style: chr1-19209819-A-G.
Other names: c.557T>C (NM_003748.3); c.377T>C, p.Ile126Thr (NM_001161504.2); c.557T>C, p.Ile186Thr (NM_001319218.2, NM_170726.3); short protein forms I186T, I126T.
Identifiers: ClinVar variation 1390402 (VCV001390402.10), dbSNP rs375023861, ClinGen allele CA647325.

ClinVar aggregate classification (germline): Uncertain significance. Review status: criteria provided, multiple submitters, no conflicts (2 of 4 stars). 3 submissions from 3 submitters: Uncertain significance (3). Last evaluated 2024-04-09.

Conditions:
Hyperprolinemia type 2 (HYRPRO2). Also called: 1-PYRROLINE-5-CARBOXYLATE DEHYDROGENASE DEFICIENCY; Deficiency of pyrroline-5-carboxylate reductase; Delta-1-pyrroline-5-carboxylate dehydrogenase deficiency. Identifiers: Orphanet 79101, MedGen C2931835, MONDO:0009401, OMIM 239510.

Allele frequency attached by ClinVar (database versions not stated): gnomAD exomes 0.00001 and 0.00002; ExAC 0.00003; ESP Exome Variant Server 0.00008; gnomAD 0.00010 and 0.00011; TOPMed 0.00011.
gnomAD v4.1: 31 of 1,613,184 alleles (0.0019%); highest among the groups gnomAD compares: African/African-American, 0.027%; no homozygotes.

Submissions (3):

GeneDx
Classification: Uncertain significance. Last evaluated: 2024-04-09. Review status: criteria provided, single submitter. Criteria: GeneDx Variant Classification Process June 2021. Collection method: clinical testing. Allele origin: germline. Affected: yes.
Comment: In silico analysis supports that this missense variant has a deleterious effect on protein structure/function; Has not been previously published as pathogenic or benign to our knowledge

Fulgent Genetics
Classification: Uncertain significance for Hyperprolinemia type 2. Last evaluated: 2021-07-14. Review status: criteria provided, single submitter. Criteria: ACMG Guidelines, 2015. Collection method: clinical testing. Allele origin: unknown.

Labcorp Genetics (formerly Invitae), Labcorp
Classification: Uncertain significance for Hyperprolinemia type 2. Last evaluated: 2021-07-02. Review status: criteria provided, single submitter. Criteria: Invitae Variant Classification Sherloc (09022015). Collection method: clinical testing. Allele origin: germline.
Comment: This sequence change replaces isoleucine with threonine at codon 186 of the ALDH4A1 protein (p.Ile186Thr). The isoleucine residue is moderately conserved and there is a moderate physicochemical difference between isoleucine and threonine. This variant is present in population databases (rs375023861, ExAC 0.03%). This variant has not been reported in the literature in individuals affected with ALDH4A1-related conditions. Algorithms developed to predict the effect of missense changes on protein structure and function are either unavailable or do not agree on the potential impact of this missense change (SIFT: "Deleterious"; PolyPhen-2: "Benign"; Align-GVGD: "Class C0"). In summary, the available evidence is currently insufficient to determine the role of this variant in disease. Therefore, it has been classified as a Variant of Uncertain Significance.